The following is an entry in ClinVar:

NM_001904.4(CTNNB1):c.27G>T (p.Glu9Asp)

Genes: CTNNB1 (catenin beta 1; plus strand), LOC126806658 (BRD4-independent group 4 enhancer GRCh37_chr3:41265899-41267098; plus strand). Cytogenetic location: 3p22.1.
Variant type: single nucleotide variant.
Coding change: c.27G>T on transcript NM_001904.4 (MANE Select); coding-DNA position 27, G replaced by T.
Protein change: p.Glu9Asp; replaces glutamic acid 9 with aspartic acid.
Molecular consequence: missense variant.
Genome position (GRCh38, 1-based): chr3:41,224,539, G>T. VCF-style: chr3-41224539-G-T. GRCh37 (hg19) VCF-style: chr3-41266030-G-T.
Other names: c.27G>T, p.Glu9Asp (NM_001098209.2, NM_001098210.2); c.6G>T, p.Glu2Asp (NM_001330729.2); short protein forms E9D, E2D.
Identifiers: ClinVar variation 2101198 (VCV002101198.4), dbSNP rs2078128295, ClinGen allele CA352227984.

ClinVar aggregate classification (germline): Uncertain significance (1 of 4 stars; one submission).

Submission:

Labcorp Genetics (formerly Invitae), Labcorp
Classification: Uncertain significance. Last evaluated: 2022-04-01. Review status: criteria provided, single submitter. Criteria: Invitae Variant Classification Sherloc (09022015). Collection method: clinical testing. Allele origin: germline.
Comment: This sequence change replaces glutamic acid, which is acidic and polar, with aspartic acid, which is acidic and polar, at codon 9 of the CTNNB1 protein (p.Glu9Asp). This variant is not present in population databases (gnomAD no frequency). This variant has not been reported in the literature in individuals affected with CTNNB1-related conditions. Algorithms developed to predict the effect of missense changes on protein structure and function (SIFT, PolyPhen-2, Align-GVGD) all suggest that this variant is likely to be tolerated. In summary, the available evidence is currently insufficient to determine the role of this variant in disease. Therefore, it has been classified as a Variant of Uncertain Significance.